The following is an entry in ClinVar:

NM_001267550.2(TTN):c.39709+6C>T

Gene: TTN (titin; minus strand). Cytogenetic location: 2q31.2.
Variant type: single nucleotide variant.
Coding change: c.39709+6C>T on transcript NM_001267550.2 (MANE Select); 6 bases into the intron after coding-DNA position 39709, C replaced by T.
Molecular consequence: intron variant.
Genome position (GRCh38, 1-based): chr2:178,650,745, G>A on the plus strand (C>T on the coding strand, the complement: TTN is on the minus strand). VCF-style: chr2-178650745-G-A. GRCh37 (hg19) VCF-style: chr2-179515472-G-A.
Other names: p.?; c.13283-8428C>T (NM_003319.4); c.13859-8428C>T (NM_133437.4); c.13658-8428C>T (NM_133432.3); c.32407+6C>T (NM_133378.4); c.35188+6C>T (NM_001256850.1).
Identifiers: ClinVar variation 46930 (VCV000046930.81), dbSNP rs72650067, ClinGen allele CA283193.

ClinVar aggregate classification (germline): Benign/Likely benign. Review status: criteria provided, multiple submitters, no conflicts (2 of 4 stars). 26 submissions from 19 submitters: Benign (16); Likely benign (5). 5 of the submissions do not count toward it. Last evaluated 2026-09-01.

Conditions:
Dilated cardiomyopathy 1G (CMD1G). Identifiers: Orphanet 154, MedGen C1858763, MONDO:0011400, OMIM 604145.
Autosomal recessive limb-girdle muscular dystrophy type 2J (LGMDR10). Also called: MUSCULAR DYSTROPHY, LIMB-GIRDLE, AUTOSOMAL RECESSIVE 10; Limb-girdle muscular dystrophy, type 2J. Identifiers: Orphanet 140922, MedGen C1837342, MONDO:0012127, OMIM 608807.
Myopathy, myofibrillar, 9, with early respiratory failure (MFM9). Also called: Myopathy, distal, with early respiratory failure, autosomal dominant; Hereditary myopathy with early respiratory failure; MYOPATHY, PROXIMAL, WITH EARLY RESPIRATORY MUSCLE INVOLVEMENT; EDSTROM MYOPATHY. Identifiers: Orphanet 178464, Orphanet 34521, MedGen C1863599, MONDO:0011362, OMIM 603689.
Early-onset myopathy with fatal cardiomyopathy (CMYO5). Also called: CONGENITAL MYOPATHY 5 WITH CARDIOMYOPATHY; Salih Myopathy. Identifiers: Orphanet 289377, MedGen C2673677, MONDO:0012714, OMIM 611705. Disease mechanism: loss of function.
Tibial muscular dystrophy (TMD). Also called: Udd Distal Myopathy – Tibial Muscular Dystrophy; Tibial muscular dystrophy, tardive; UDD MYOPATHY. Identifiers: Orphanet 609, MedGen C1838244, MONDO:0010870, OMIM 600334.

Allele frequency attached by ClinVar (database versions not stated): ESP Exome Variant Server 0.00666; ExAC 0.01027; 1000 Genomes Project 30x 0.00141; 1000 Genomes Project 0.00160; TOPMed 0.00499; gnomAD 0.00517 and 0.00533; gnomAD exomes 0.00731 and 0.00535.
gnomAD v4.1: 11,250 of 1,598,416 alleles (0.7%); highest among the groups gnomAD compares: Non-Finnish European, 0.84%; 51 homozygotes.

Submissions (26):

CeGaT Center for Human Genetics Tuebingen
Classification: Likely benign. Last evaluated: 2026-09-01. Review status: criteria provided, single submitter. Criteria: CeGaT Center For Human Genetics Tuebingen Variant Classification Criteria Version 2. Collection method: clinical testing. Allele origin: germline. Affected: yes. Observed: 83 variant alleles.
Comment: TTN: BP4, BS2

Labcorp Genetics (formerly Invitae), Labcorp
Classification: Benign for Dilated cardiomyopathy 1G; Autosomal recessive limb-girdle muscular dystrophy type 2J. Last evaluated: 2026-02-03. Review status: criteria provided, single submitter. Criteria: Invitae Variant Classification Sherloc (09022015). Collection method: clinical testing. Allele origin: germline.

Molecular Diagnostic Laboratory for Inherited Cardiovascular Disease, Montreal Heart Institute
Classification: Benign. Last evaluated: 2025-04-09. Review status: criteria provided, single submitter. Criteria: ACMG Guidelines, 2015. Collection method: clinical testing. Allele origin: germline. Affected: no.

Athena Diagnostics
Classification: Benign. Last evaluated: 2025-04-03. Review status: criteria provided, single submitter. Criteria: Athena Diagnostics Criteria. Collection method: clinical testing. Allele origin: unknown.
Comment: The frequency of this variant in the general population is higher than would generally be expected for pathogenic variants in this gene.

ARUP Laboratories, Molecular Genetics and Genomics, ARUP Laboratories
Classification: Benign. Last evaluated: 2025-01-17. Review status: criteria provided, single submitter. Criteria: ARUP Molecular Germline Variant Investigation Process 2024. Collection method: clinical testing. Allele origin: germline.

Blueprint Genetics
Classification: Likely benign. Last evaluated: 2024-11-20. Review status: criteria provided, single submitter. Criteria: ACMG Guidelines, 2015. Collection method: clinical testing. Allele origin: germline.

Genome-Nilou Lab
Classification: Benign for Autosomal recessive limb-girdle muscular dystrophy type 2J. Last evaluated: 2021-09-10. Review status: criteria provided, single submitter. Criteria: ACMG Guidelines, 2015. Collection method: clinical testing. Allele origin: germline. Affected: no.

Genome-Nilou Lab
Classification: Benign for Myopathy, myofibrillar, 9, with early respiratory failure. Last evaluated: 2021-09-10. Review status: criteria provided, single submitter. Criteria: ACMG Guidelines, 2015. Collection method: clinical testing. Allele origin: germline. Affected: no.

Genome-Nilou Lab
Classification: Benign for Early-onset myopathy with fatal cardiomyopathy. Last evaluated: 2021-09-10. Review status: criteria provided, single submitter. Criteria: ACMG Guidelines, 2015. Collection method: clinical testing. Allele origin: germline. Affected: no.

Genome-Nilou Lab
Classification: Benign for Tibial muscular dystrophy. Last evaluated: 2021-09-10. Review status: criteria provided, single submitter. Criteria: ACMG Guidelines, 2015. Collection method: clinical testing. Allele origin: germline. Affected: no.

Women's Health and Genetics/Laboratory Corporation of America, LabCorp
Classification: Benign. Last evaluated: 2019-12-09. Review status: criteria provided, single submitter. Criteria: LabCorp Variant Classification Summary - May 2015. Collection method: clinical testing. Allele origin: germline.
Comment: Variant summary: TTN c.32407+6C>T alters a nucleotide located close to a canonical splice site and therefore could affect mRNA splicing, leading to a significantly altered protein sequence. 5/5 computational tools predict no significant impact on normal splicing. However, these predictions have yet to be confirmed by functional studies. The variant allele was found at a frequency of 0.0053 in 227250 control chromosomes, predominantly at a frequency of 0.0084 within the Non-Finnish European subpopulation in the gnomAD database, including 2 homozygotes. The observed variant frequency within Non-Finnish European control individuals in the gnomAD database is approximately 13-folds over the estimated maximal expected allele frequency for a pathogenic variant in TTN causing Cardiomyopathy phenotype (0.00063), strongly suggesting that the variant is a benign polymorphism found primarily in populations of Non-Finnish European origin. Three ClinVar submissions (evaluation after 2014) cites the variant as benign. Based on the evidence outlined above, the variant was classified as benign.

Mayo Clinic Laboratories, Mayo Clinic
Classification: Benign. Last evaluated: 2018-01-04. Review status: criteria provided, single submitter. Criteria: ACMG Guidelines, 2015. Collection method: clinical testing. Allele origin: germline. Observed: 35 variant alleles.

Illumina Laboratory Services, Illumina
Classification: Likely benign for Early-onset myopathy with fatal cardiomyopathy. Last evaluated: 2017-04-27. Review status: criteria provided, single submitter. Criteria: ICSL Variant Classification Criteria 13 December 2019. Collection method: clinical testing. Allele origin: germline.
Comment: This variant was observed as part of a predisposition screen in an ostensibly healthy population. A literature search was performed for the gene, cDNA change, and amino acid change (where applicable). Publications were found based on this search. The evidence from the literature, in combination with allele frequency data from public databases where available, was sufficient to determine this variant is unlikely to cause disease. Therefore, this variant is classified as likely benign.

Illumina Laboratory Services, Illumina
Classification: Benign for Dilated cardiomyopathy 1G. Last evaluated: 2017-04-27. Review status: criteria provided, single submitter. Criteria: ICSL Variant Classification Criteria 13 December 2019. Collection method: clinical testing. Allele origin: germline.
Comment: This variant was observed as part of a predisposition screen in an ostensibly healthy population. A literature search was performed for the gene, cDNA change, and amino acid change (where applicable). Publications were found based on this search. The evidence from the literature, in combination with allele frequency data from public databases where available, was sufficient to rule this variant out of causing disease. Therefore, this variant is classified as benign.

Illumina Laboratory Services, Illumina
Classification: Benign for Myopathy, myofibrillar, 9, with early respiratory failure. Last evaluated: 2017-04-27. Review status: criteria provided, single submitter. Criteria: ICSL Variant Classification Criteria 13 December 2019. Collection method: clinical testing. Allele origin: germline.
Comment: the same text as in the submission from Illumina Laboratory Services, Illumina above.

Illumina Laboratory Services, Illumina
Classification: Benign for Tibial muscular dystrophy. Last evaluated: 2017-04-27. Review status: criteria provided, single submitter. Criteria: ICSL Variant Classification Criteria 13 December 2019. Collection method: clinical testing. Allele origin: germline.
Comment: the same text as in the submission from Illumina Laboratory Services, Illumina above.

Illumina Laboratory Services, Illumina
Classification: Likely benign for Autosomal recessive limb-girdle muscular dystrophy type 2J. Last evaluated: 2017-04-27. Review status: criteria provided, single submitter. Criteria: ICSL Variant Classification Criteria 13 December 2019. Collection method: clinical testing. Allele origin: germline.
Comment: the same text as in the submission from Illumina Laboratory Services, Illumina above.

Eurofins Ntd Llc (ga)
Classification: Benign. Last evaluated: 2015-08-19. Review status: criteria provided, single submitter. Criteria: EGL Classification Definitions 2015. Collection method: clinical testing. Allele origin: germline. Observed: 1 variant allele, 1 heterozygote.

Laboratory for Molecular Medicine, Mass General Brigham Personalized Medicine
Classification: Benign. Last evaluated: 2015-03-12. Review status: criteria provided, single submitter. Criteria: LMM Criteria. Collection method: clinical testing. Allele origin: germline. Observed: 33 variant alleles.
Comment: c.32407+6C>T in intron 163 of TTN: This variant is not expected to have clinical significance because it has been identified in 1.7% (479/28266) of European chr omosomes by the Exome Aggregation Consortium (ExAC, rg; dbSNP rs72650067).

GeneDx
Classification: Benign. Last evaluated: 2014-02-06. Review status: criteria provided, single submitter. Criteria: GeneDx Variant Classification (06012015). Collection method: clinical testing. Allele origin: germline. Affected: yes.
Comment: This variant is considered likely benign or benign based on one or more of the following criteria: it is a conservative change, it occurs at a poorly conserved position in the protein, it is predicted to be benign by multiple in silico algorithms, and/or has population frequency not consistent with disease.

Breakthrough Genomics
Classification: Likely benign. Review status: criteria provided, single submitter. Criteria: ACMG Guidelines, 2015. Collection method: not provided. Allele origin: germline. Inheritance: Autosomal recessive inheritance. Affected: yes.

Clinical Genetics DNA and cytogenetics Diagnostics Lab, Erasmus MC, Erasmus Medical Center
Classification: Benign. Review status: no assertion criteria provided. Collection method: clinical testing. Allele origin: germline. Affected: yes. Study: VKGL Data-share Consensus. Not counted in ClinVar's aggregate classification.

Clinical Genetics, Academic Medical Center
Classification: Benign. Review status: no assertion criteria provided. Collection method: clinical testing. Allele origin: germline. Affected: yes. Study: VKGL Data-share Consensus. Not counted in ClinVar's aggregate classification.

Diagnostic Laboratory, Department of Genetics, University Medical Center Groningen
Classification: Likely benign. Review status: no assertion criteria provided. Collection method: clinical testing. Allele origin: germline. Affected: yes. Study: VKGL Data-share Consensus. Not counted in ClinVar's aggregate classification.

Joint Genome Diagnostic Labs from Nijmegen and Maastricht, Radboudumc and MUMC+
Classification: Benign. Review status: no assertion criteria provided. Collection method: clinical testing. Allele origin: germline. Affected: yes. Study: VKGL Data-share Consensus. Not counted in ClinVar's aggregate classification.

Laboratory of Diagnostic Genome Analysis, Leiden University Medical Center (LUMC)
Classification: Likely benign. Review status: no assertion criteria provided. Collection method: clinical testing. Allele origin: germline. Affected: yes. Study: VKGL Data-share Consensus. Not counted in ClinVar's aggregate classification.

Literature cited by the submitters: PubMed 26516846 (cited by Illumina Laboratory Services, Illumina).